The following is an entry in ClinVar:

NM_001172509.2(SATB2):c.287T>C (p.Leu96Pro)

Gene: SATB2 (SATB homeobox 2; minus strand). Cytogenetic location: 2q33.1.
Variant type: single nucleotide variant.
Coding change: c.287T>C on transcript NM_001172509.2 (MANE Select); coding-DNA position 287, T replaced by C.
Protein change: p.Leu96Pro; replaces leucine 96 with proline.
Molecular consequence: missense variant. On other transcripts: non-coding transcript variant (1).
Genome position (GRCh38, 1-based): chr2:199,433,397, A>G on the plus strand (T>C on the coding strand, the complement: SATB2 is on the minus strand). VCF-style: chr2-199433397-A-G. GRCh37 (hg19) VCF-style: chr2-200298120-A-G.
Other names: c.287T>C, p.Leu96Pro (NM_001172517.1, NM_015265.4); short protein forms L96P.
Identifiers: ClinVar variation 4532614 (VCV004532614.1).

ClinVar aggregate classification (germline): Likely pathogenic (1 of 4 stars; one submission).

Submission:

GeneDx
Classification: Likely pathogenic. Last evaluated: 2025-05-27. Review status: criteria provided, single submitter. Criteria: GeneDx Variant Classification Process June 2021. Collection method: clinical testing. Allele origin: germline. Affected: yes.
Comment: Not observed at significant frequency in large population cohorts (gnomAD); In silico analysis supports that this missense variant has a deleterious effect on protein structure/function; Has not been previously published as pathogenic or benign to our knowledge